The following is an entry in ClinVar:

ClinVar aggregate classification (germline): Pathogenic (1 of 4 stars; one submission).

Conditions:
VPS13A-related neurodegenerative disease. Also called: ACANTHOCYTOSIS WITH NEUROLOGIC DISORDER; LEVINE-CRITCHLEY SYNDROME; Choreoacanthocytosis; Chorea-acanthocytosis; Choreaacanthocytosis; VPS13A Disease. Identifiers: Orphanet 2388, MedGen C0393576, MONDO:0008695, OMIM 200150.

Submission:

Myriad Genetics, Inc.
Classification: Pathogenic for VPS13A-related neurodegenerative disease. Last evaluated: 2024-05-14. Review status: criteria provided, single submitter. Criteria: Myriad Autosomal Dominant, Autosomal Recessive and X-Linked Classification Criteria (2023). Collection method: clinical testing. Allele origin: unknown.
Comment: NM_033305.2(VPS13A):c.3464_3465ins11(I1156Vfs*2) is expected to be pathogenic in the context of VPS13A disease. This variant is predicted to lead to an abnormal or absent protein product due to the creation of a premature termination codon in VPS13A, a gene where loss-of-function variants are known to be pathogenic. Please note: this variant was assessed in the context of healthy population screening.

NM_033305.3(VPS13A):c.3464_3465insTGTATAAGAGA (p.Cys1155_Ile1156insValTer)

Gene: VPS13A (vacuolar protein sorting 13 homolog A; plus strand). Cytogenetic location: 9q21.2.
Variant type: Insertion.
Coding change: c.3464_3465insTGTATAAGAGA on transcript NM_033305.3 (MANE Select); coding-DNA positions 3464 to 3465, TGTATAAGAGA inserted.
Protein change: p.Cys1155_Ile1156insValTer.
Molecular consequence: nonsense.
Genome position: GRCh38 VCF-style: chr9-77293465-G-GTGTATAAGAGA. GRCh37 (hg19) VCF-style: chr9-79908381-G-GTGTATAAGAGA.
Other names: c.3347_3348insTGTATAAGAGA, p.Cys1116_Ile1117insValTer (NM_001018037.2); c.3464_3465insTGTATAAGAGA, p.Cys1155_Ile1156insValTer (NM_001018038.3, NM_015186.4).
Identifiers: ClinVar variation 5011035 (VCV005011035.1).